The following is an entry in ClinVar:

NM_020911.2(PLXNA4):c.5108C>T (p.Ala1703Val)

Gene: PLXNA4 (plexin A4; minus strand). Cytogenetic location: 7q32.3.
Variant type: single nucleotide variant.
Coding change: c.5108C>T on transcript NM_020911.2 (MANE Select); coding-DNA position 5108, C replaced by T.
Protein change: p.Ala1703Val; replaces alanine 1703 with valine.
Molecular consequence: missense variant.
Genome position (GRCh38, 1-based): chr7:132,145,236, G>A on the plus strand (C>T on the coding strand, the complement: PLXNA4 is on the minus strand). VCF-style: chr7-132145236-G-A. GRCh37 (hg19) VCF-style: chr7-131829995-G-A.
Other names: c.5108C>T, p.Ala1703Val (NM_001393897.1); short protein forms A1703V.
Identifiers: ClinVar variation 4986038 (VCV004986038.1).
Genomic context (GRCh38, chr7:132,145,236, plus strand): 5'-TGCTCATCCAGGAAGTCAAACATGTACTTGATGGCCAGGGGCAGGGCAGAGCCACGGTGT[G>A]CCGTGCTGAAGATGGTCTCAAAGAGGTCATCCACAAACTTCTGCAGTGTGCCCTGGAGAG-3'
Protein context (NP_065962.1, residues 1693-1713): DDLFETIFST[Ala1703Val]HRGSALPLAI

ClinVar aggregate classification (germline): Uncertain significance (1 of 4 stars; one submission).

Conditions:
PLXNA4-related disorder. Also called: PLXNA4-related condition.

Submission:

PreventionGenetics, part of Exact Sciences
Classification: Uncertain significance for PLXNA4-related condition. Last evaluated: 2025-04-30. Review status: criteria provided, single submitter. Criteria: ACMG Guidelines, 2015. Collection method: clinical testing. Allele origin: germline.
Comment: The PLXNA4 c.5108C>T variant is predicted to result in the amino acid substitution p.Ala1703Val. To our knowledge, this variant has not been reported in the literature or in a large population database (gnomAD), indicating this variant is rare. At this time, the clinical significance of this variant is uncertain due to the absence of conclusive functional and genetic evidence.